The following is an entry in ClinVar:

ClinVar aggregate classification (germline): Pathogenic/Likely pathogenic. Review status: criteria provided, multiple submitters, no conflicts (2 of 4 stars). 4 submissions from 4 submitters: Pathogenic (2); Likely pathogenic (1). 1 of the submissions does not count toward it. Last evaluated 2025-09-19.

Conditions:
Retinitis pigmentosa 77 (RP77). Identifiers: MedGen C4310626, MONDO:0015013, OMIM 617304.
REEP6-related disorder. Also called: REEP6-related condition.

Submissions (4):

First Genomix Gene Laboratory, Genetic Diagnostics Department
Classification: Pathogenic for Retinitis pigmentosa 77. Last evaluated: 2025-09-19. Review status: criteria provided, single submitter. Criteria: ACMG Guidelines, 2015. Collection method: clinical testing. Allele origin: germline. Inheritance: Autosomal recessive inheritance. Affected: no. Observed: 1 variant allele.

Labcorp Genetics (formerly Invitae), Labcorp
Classification: Pathogenic. Last evaluated: 2023-05-15. Review status: criteria provided, single submitter. Criteria: Invitae Variant Classification Sherloc (09022015). Collection method: clinical testing. Allele origin: germline.
Comment: For these reasons, this variant has been classified as Pathogenic. ClinVar contains an entry for this variant (Variation ID: 375312). This premature translational stop signal has been observed in individual(s) with retinitis pigmentosa (PMID: 27889058). This variant is not present in population databases (gnomAD no frequency). This sequence change creates a premature translational stop signal (p.Ala150Profs*2) in the REEP6 gene. It is expected to result in an absent or disrupted protein product. Loss-of-function variants in REEP6 are known to be pathogenic (PMID: 27889058, 29120066).

Blueprint Genetics
Classification: Likely pathogenic for REEP6-related disorders. Last evaluated: 2019-09-06. Review status: criteria provided, single submitter. Criteria: ACMG Guidelines, 2015. Collection method: clinical testing. Allele origin: germline. Affected: yes. Observed: 1 variant allele.

OMIM
Classification: Pathogenic for RETINITIS PIGMENTOSA 77. Last evaluated: 2017-01-26. Review status: no assertion criteria provided. Collection method: literature only. Allele origin: germline. Not counted in ClinVar's aggregate classification.

Literature cited by the submitters: PubMed 27889058 (cited by Labcorp Genetics (formerly Invitae), Labcorp and OMIM); PubMed 29120066 (cited by Labcorp Genetics (formerly Invitae), Labcorp).

NM_138393.4(REEP6):c.448del (p.Ala150fs)

Gene: REEP6 (receptor accessory protein 6; plus strand). Cytogenetic location: 19p13.3.
Variant type: Deletion.
Coding change: c.448del on transcript NM_138393.4 (MANE Select); coding-DNA position 448, one base deleted (G; older notation c.448delG).
Protein change: p.Ala150fs; shifts the reading frame from alanine 150.
Molecular consequence: frameshift variant.
Genome position (GRCh38, 1-based): chr19:1,496,384, G deleted; the last of 4 consecutive G bases (chr19:1,496,381-1,496,384); deleting any one gives the same sequence. VCF-style (leftmost placement, unchanged base first): chr19-1496380-CG-C. GRCh37 (hg19) VCF-style: chr19-1496379-CG-C.
Other names: c.448del, p.Ala150fs (NM_001329556.3); short protein forms A150fs.
Identifiers: ClinVar variation 375312 (VCV000375312.10), dbSNP rs1057519341, ClinGen allele CA16044054.
Genomic context (GRCh38, chr19:1,496,380, plus strand): 5'-CTGGAACGGGGCTCTCATGCTGTATCAGCGCGTCGTGCGTCCGCTGTTCCTAAGGCACCA[CG>C]GGGCCGTAGACAGAATCATGAACGACCTCAGCGGGCGAGCCCTGGACGCGGCGGCCGGAA-3'